The following is an entry in ClinVar:

ClinVar aggregate classification (germline): Benign. Review status: criteria provided, multiple submitters, no conflicts (2 of 4 stars). 3 submissions from 3 submitters: Benign (2). 1 of the submissions does not count toward it. Last evaluated 2026-02-01.

Conditions:
CEP55-related disorder. Also called: CEP55-related condition.

Allele frequency attached by ClinVar (database versions not stated): 1000 Genomes Project 30x 0.03092; 1000 Genomes Project 0.03395; TOPMed 0.06244; gnomAD 0.06806 and 0.07023; gnomAD exomes 0.07078 and 0.09503; ExAC 0.07081; ESP Exome Variant Server 0.07458.
gnomAD v4.1: 148,402 of 1,611,614 alleles (9.2%); highest among the groups gnomAD compares: Non-Finnish European, 11%; 7,958 homozygotes.

Submissions (19):

Labcorp Genetics (formerly Invitae), Labcorp
Classification: Benign. Last evaluated: 2026-02-01. Review status: criteria provided, single submitter. Criteria: Invitae Variant Classification Sherloc (09022015). Collection method: clinical testing. Allele origin: germline.

Breakthrough Genomics
Classification: Benign. Review status: criteria provided, single submitter. Criteria: ACMG Guidelines, 2015. Collection method: not provided. Allele origin: germline. Inheritance: Autosomal recessive inheritance. Affected: yes.

PreventionGenetics, part of Exact Sciences
Classification: Benign for CEP55-related condition. Last evaluated: 2020-01-27. Review status: no assertion criteria provided. Collection method: clinical testing. Allele origin: germline. Not counted in ClinVar's aggregate classification.
Comment: This variant is classified as benign based on ACMG/AMP sequence variant interpretation guidelines (Richards et al. 2015 PMID: 25741868, with internal and published modifications).

Dr. Peter K. Rogan Lab, Western University
No classification provided (evidence only). Condition: Colorectal cancer. Review status: no classification provided. Collection method: in vitro. Allele origin: not applicable. Functional consequence: retained intron. Not counted in ClinVar's aggregate classification.

Dr. Peter K. Rogan Lab, Western University
No classification provided (evidence only). Condition: Colorectal cancer. Review status: no classification provided. Collection method: in vitro. Allele origin: not applicable. Functional consequence: retained intron. Not counted in ClinVar's aggregate classification.

Dr. Peter K. Rogan Lab, Western University
No classification provided (evidence only). Condition: Colorectal cancer. Review status: no classification provided. Collection method: in vitro. Allele origin: not applicable. Functional consequence: retained intron. Not counted in ClinVar's aggregate classification.

Dr. Peter K. Rogan Lab, Western University
No classification provided (evidence only). Condition: Colorectal cancer. Review status: no classification provided. Collection method: in vitro. Allele origin: not applicable. Functional consequence: retained intron. Not counted in ClinVar's aggregate classification.

Dr. Peter K. Rogan Lab, Western University
No classification provided (evidence only). Condition: Malignant lymphoma, large B-cell, diffuse. Review status: no classification provided. Collection method: in vitro. Allele origin: not applicable. Functional consequence: retained intron. Not counted in ClinVar's aggregate classification.

Dr. Peter K. Rogan Lab, Western University
No classification provided (evidence only). Condition: Thymoma. Review status: no classification provided. Collection method: in vitro. Allele origin: not applicable. Functional consequence: retained intron. Not counted in ClinVar's aggregate classification.

Dr. Peter K. Rogan Lab, Western University
No classification provided (evidence only). Condition: Thymoma. Review status: no classification provided. Collection method: in vitro. Allele origin: not applicable. Functional consequence: retained intron. Not counted in ClinVar's aggregate classification.

Dr. Peter K. Rogan Lab, Western University
No classification provided (evidence only). Condition: Thymoma. Review status: no classification provided. Collection method: in vitro. Allele origin: not applicable. Functional consequence: retained intron. Not counted in ClinVar's aggregate classification.

Dr. Peter K. Rogan Lab, Western University
No classification provided (evidence only). Condition: Thymoma. Review status: no classification provided. Collection method: in vitro. Allele origin: not applicable. Functional consequence: retained intron. Not counted in ClinVar's aggregate classification.

Dr. Peter K. Rogan Lab, Western University
No classification provided (evidence only). Condition: Adrenocortical carcinoma, hereditary. Review status: no classification provided. Collection method: in vitro. Allele origin: not applicable. Functional consequence: retained intron. Not counted in ClinVar's aggregate classification.

Dr. Peter K. Rogan Lab, Western University
No classification provided (evidence only). Condition: Uterine carcinosarcoma. Review status: no classification provided. Collection method: in vitro. Allele origin: not applicable. Functional consequence: retained intron. Not counted in ClinVar's aggregate classification.

Dr. Peter K. Rogan Lab, Western University
No classification provided (evidence only). Condition: Uterine carcinosarcoma. Review status: no classification provided. Collection method: in vitro. Allele origin: not applicable. Functional consequence: retained intron. Not counted in ClinVar's aggregate classification.

Dr. Peter K. Rogan Lab, Western University
No classification provided (evidence only). Condition: Uterine carcinosarcoma. Review status: no classification provided. Collection method: in vitro. Allele origin: not applicable. Functional consequence: retained intron. Not counted in ClinVar's aggregate classification.

Dr. Peter K. Rogan Lab, Western University
No classification provided (evidence only). Condition: Uterine carcinosarcoma. Review status: no classification provided. Collection method: in vitro. Allele origin: not applicable. Functional consequence: retained intron. Not counted in ClinVar's aggregate classification.

Dr. Peter K. Rogan Lab, Western University
No classification provided (evidence only). Condition: Uterine carcinosarcoma. Review status: no classification provided. Collection method: in vitro. Allele origin: not applicable. Functional consequence: retained intron. Not counted in ClinVar's aggregate classification.

Dr. Peter K. Rogan Lab, Western University
No classification provided (evidence only). Condition: Uveal melanoma. Review status: no classification provided. Collection method: in vitro. Allele origin: not applicable. Functional consequence: retained intron. Not counted in ClinVar's aggregate classification.

NM_018131.5(CEP55):c.1043G>A (p.Arg348Lys)

Gene: CEP55 (centrosomal protein 55; plus strand). Cytogenetic location: 10q23.33.
Variant type: single nucleotide variant.
Coding change: c.1043G>A on transcript NM_018131.5 (MANE Select); coding-DNA position 1043, G replaced by A.
Protein change: p.Arg348Lys; replaces arginine 348 with lysine.
Molecular consequence: missense variant.
Genome position (GRCh38, 1-based): chr10:93,518,926, G>A. VCF-style: chr10-93518926-G-A. GRCh37 (hg19) VCF-style: chr10-95278683-G-A.
Other names: c.1043G>A, p.Arg348Lys (NM_001127182.2); c.1043G>A (NM_001127182.1); short protein forms R348K.
Identifiers: ClinVar variation 1561136 (VCV001561136.12), dbSNP rs75139274, ClinGen allele CA5609065.